The following is an entry in ClinVar:

ClinVar aggregate classification (germline): Uncertain significance (1 of 4 stars; one submission).

Allele frequency attached by ClinVar (database versions not stated): gnomAD exomes below 0.00001.
gnomAD v4.1: 6 of 1,613,876 alleles (0.00037%); highest among the groups gnomAD compares: South Asian, 0.0011%; no homozygotes.

Submission:

Labcorp Genetics (formerly Invitae), Labcorp
Classification: Uncertain significance. Last evaluated: 2022-03-20. Review status: criteria provided, single submitter. Criteria: Invitae Variant Classification Sherloc (09022015). Collection method: clinical testing. Allele origin: germline.
Comment: This variant has not been reported in the literature in individuals affected with COL18A1-related conditions. This sequence change replaces proline, which is neutral and non-polar, with serine, which is neutral and polar, at codon 634 of the COL18A1 protein (p.Pro634Ser). This variant is not present in population databases (gnomAD no frequency). Experimental studies and prediction algorithms are not available or were not evaluated, and the functional significance of this variant is currently unknown. In summary, the available evidence is currently insufficient to determine the role of this variant in disease. Therefore, it has been classified as a Variant of Uncertain Significance.

NM_001379500.1(COL18A1):c.1900C>T (p.Pro634Ser)

Gene: COL18A1 (collagen type XVIII alpha 1 chain; plus strand). Cytogenetic location: 21q22.3.
Variant type: single nucleotide variant.
Coding change: c.1900C>T on transcript NM_001379500.1 (MANE Select); coding-DNA position 1900, C replaced by T.
Protein change: p.Pro634Ser; replaces proline 634 with serine.
Molecular consequence: missense variant.
Genome position (GRCh38, 1-based): chr21:45,488,421, C>T. VCF-style: chr21-45488421-C-T. GRCh37 (hg19) VCF-style: chr21-46908335-C-T.
Other names: c.2440C>T, p.Pro814Ser (NM_030582.4); c.3145C>T, p.Pro1049Ser (NM_130444.3); short protein forms P634S, P814S, P1049S.
Identifiers: ClinVar variation 2115023 (VCV002115023.4), dbSNP rs2517666203, ClinGen allele CA410496556.
Genomic context (GRCh38, chr21:45,488,421, plus strand): 5'-GCATCTCACAGCAGGGCCTCCAGCTGCACTAACACTGTGTCTCCTCTGCCCTGACAGGGA[C>T]CTCCCGGCCTGCCGGGACTTAAGGTCAGTGACGGATATGTCTGGGTTTCTGTGGTTGCTG-3'
Protein context (NP_001366429.1, residues 624-644): TARSADGPQG[Pro634Ser]PGLPGLKGDP